The following is an entry in ClinVar:

NM_001166108.2(PALLD):c.2714G>C (p.Arg905Thr)

Genes: CBR4 (carbonyl reductase 4; minus strand), PALLD (palladin, cytoskeletal associated protein; plus strand). Cytogenetic location: 4q32.3.
Variant type: single nucleotide variant.
Coding change: c.2714G>C on transcript NM_001166108.2 (MANE Select); coding-DNA position 2714, G replaced by C.
Protein change: p.Arg905Thr; replaces arginine 905 with threonine.
Molecular consequence: missense variant.
Genome position (GRCh38, 1-based): chr4:168,914,018, G>C. VCF-style: chr4-168914018-G-C. GRCh37 (hg19) VCF-style: chr4-169835169-G-C.
Other names: c.1517G>C, p.Arg506Thr (NM_001166109.2); c.1202G>C, p.Arg401Thr (NM_001166110.2); c.542G>C, p.Arg181Thr (NM_001367567.1, NM_001367569.1); c.593G>C, p.Arg198Thr (NM_001367568.1, NM_001367570.1); c.2663G>C, p.Arg888Thr (NM_016081.4); short protein forms R181T, R401T, R888T, R198T, R506T, R905T.
Identifiers: ClinVar variation 1794474 (VCV001794474.3), dbSNP rs1759594857, ClinGen allele CA358705396.

ClinVar aggregate classification (germline): Uncertain significance (1 of 4 stars; one submission).

Allele frequency attached by ClinVar (database versions not stated): gnomAD 0.00001.
gnomAD v4.1: 1 of 1,579,182 alleles (0.000063%); highest among the groups gnomAD compares: African/African-American, 0.0013%; no homozygotes.

Submission:

Ambry Genetics
Classification: Uncertain significance. Last evaluated: 2024-10-11. Review status: criteria provided, single submitter. Criteria: Ambry Variant Classification Scheme 2023. Collection method: clinical testing. Allele origin: germline.
Comment: The p.R888T variant (also known as c.2663G>C), located in coding exon 14 of the PALLD gene, results from a G to C substitution at nucleotide position 2663. The arginine at codon 888 is replaced by threonine, an amino acid with similar properties. This amino acid position is conserved. In addition, the in silico prediction for this alteration is inconclusive. Since supporting evidence is limited at this time, the clinical significance of this alteration remains unclear.